The following is an entry in ClinVar:

ClinVar aggregate classification (germline): Uncertain significance (1 of 4 stars; one submission).

Allele frequency attached by ClinVar (database versions not stated): gnomAD exomes below 0.00001.
gnomAD v4.1: 3 of 1,614,168 alleles (0.00019%); highest among the groups gnomAD compares: Non-Finnish European, 0.00025%; no homozygotes.

Submission:

Labcorp Genetics (formerly Invitae), Labcorp
Classification: Uncertain significance. Last evaluated: 2022-05-10. Review status: criteria provided, single submitter. Criteria: Invitae Variant Classification Sherloc (09022015). Collection method: clinical testing. Allele origin: germline.
Comment: This variant has not been reported in the literature in individuals affected with VCAN-related conditions. This variant is not present in population databases (gnomAD no frequency). This sequence change replaces lysine, which is basic and polar, with glutamic acid, which is acidic and polar, at codon 224 of the VCAN protein (p.Lys224Glu). Algorithms developed to predict the effect of missense changes on protein structure and function (SIFT, PolyPhen-2, Align-GVGD) all suggest that this variant is likely to be disruptive. In summary, the available evidence is currently insufficient to determine the role of this variant in disease. Therefore, it has been classified as a Variant of Uncertain Significance.

NM_004385.5(VCAN):c.670A>G (p.Lys224Glu)

Gene: VCAN (versican; plus strand). Cytogenetic location: 5q14.2.
Variant type: single nucleotide variant.
Coding change: c.670A>G on transcript NM_004385.5 (MANE Select); coding-DNA position 670, A replaced by G.
Protein change: p.Lys224Glu; replaces lysine 224 with glutamic acid.
Molecular consequence: missense variant.
Genome position (GRCh38, 1-based): chr5:83,493,853, A>G. VCF-style: chr5-83493853-A-G. GRCh37 (hg19) VCF-style: chr5-82789672-A-G.
Other names: c.670A>G, p.Lys224Glu (NM_001126336.3, NM_001164097.2, NM_001164098.2); short protein forms K224E.
Identifiers: ClinVar variation 1992763 (VCV001992763.4), dbSNP rs2478973540, ClinGen allele CA360296777.